The following is an entry in ClinVar:

ClinVar aggregate classification (germline): Uncertain significance (1 of 4 stars; one submission).

Submission:

Ambry Genetics
Classification: Uncertain significance. Last evaluated: 2024-09-26. Review status: criteria provided, single submitter. Criteria: Ambry Variant Classification Scheme 2023. Collection method: clinical testing. Allele origin: germline.
Comment: The p.H1457R variant (also known as c.4370A>G), located in coding exon 39 of the KIF1B gene, results from an A to G substitution at nucleotide position 4370. The histidine at codon 1457 is replaced by arginine, an amino acid with highly similar properties. This amino acid position is conserved. In addition, the in silico prediction for this alteration is inconclusive. Since supporting evidence is limited at this time, the clinical significance of this alteration remains unclear.

NM_001365951.3(KIF1B):c.4508A>G (p.His1503Arg)

Gene: KIF1B (kinesin family member 1B; plus strand). Cytogenetic location: 1p36.22.
Variant type: single nucleotide variant.
Coding change: c.4508A>G on transcript NM_001365951.3 (MANE Select); coding-DNA position 4508, A replaced by G.
Protein change: p.His1503Arg; replaces histidine 1503 with arginine.
Molecular consequence: missense variant.
Genome position (GRCh38, 1-based): chr1:10,365,241, A>G. VCF-style: chr1-10365241-A-G. GRCh37 (hg19) VCF-style: chr1-10425299-A-G.
Other names: c.4508A>G, p.His1503Arg (NM_001365952.1); c.4370A>G, p.His1457Arg (NM_015074.3); short protein forms H1503R, H1457R.
Identifiers: ClinVar variation 1740089 (VCV001740089.3), dbSNP rs1224742258, ClinGen allele CA338321238.